The following is an entry in ClinVar:

ClinVar aggregate classification (germline): Likely benign (1 of 4 stars; one submission).

Submission:

CeGaT Center for Human Genetics Tuebingen
Classification: Likely benign. Last evaluated: 2026-02-01. Review status: criteria provided, single submitter. Criteria: CeGaT Center For Human Genetics Tuebingen Variant Classification Criteria Version 2. Collection method: clinical testing. Allele origin: germline. Affected: yes. Observed: 1 variant allele.
Comment: RBFOX1: BP4, BS1

NM_001415887.1(RBFOX1):c.340-9_340-8del

Gene: RBFOX1 (RNA binding fox-1 homolog 1; plus strand). Cytogenetic location: 16p13.3.
Variant type: Deletion.
Coding change: c.340-9_340-8del on transcript NM_001415887.1; 9 bases into the intron before coding-DNA position 340 through 8 bases into the intron before coding-DNA position 340, 2 bases deleted (TT; older notation c.340-9_340-8delTT).
Molecular consequence: intron variant.
Genome position (GRCh38, 1-based): chr16:5,467,207-5,467,208, TT deleted; deleting any 2 consecutive bases within chr16:5,467,197-5,467,208 gives the same sequence; the c. name uses the placement nearest the transcript's 3' end. VCF-style (leftmost placement, unchanged base first): chr16-5467196-CTT-C. GRCh37 (hg19) VCF-style: chr16-5517197-CTT-C.
Other names: c.340-9_340-8del (NM_001415888.1).
Identifiers: ClinVar variation 4820971 (VCV004820971.4).